The following is an entry in ClinVar:

ClinVar aggregate classification (germline): Benign. Review status: reviewed by expert panel (3 of 4 stars). 2 submissions from 2 submitters: Benign (1). 1 of the submissions does not count toward it. Last evaluated 2025-09-07.

Conditions:
RPGR-related retinopathy. Also called: RPGR retinopathy. Identifiers: MedGen CN305589, MONDO:0100437.

Submissions (2):

ClinGen X-linked Inherited Retinal Disease Variant Curation Expert Panel, ClinGen
Classification: Benign for RPGR-related retinopathy. Last evaluated: 2025-09-07. Review status: reviewed by expert panel. Criteria: ClinGen X LinkedIRD ACMG Specifications RPGR V1.0.0. Collection method: curation. Allele origin: germline. Inheritance: X-linked inheritance.
Comment: NM_001034853.2(RPGR):c.778+90dup (also referred to as c.778+84dup) is an insertion of 1 nucleotide in intron 7. This variant is present in gnomAD v4.1.0 at a frequency of 0.7216 among hemizygous individuals, with 172,672 variant alleles / 239,288 total hemizygous alleles, which is higher than the ClinGen X-linked IRD VCEP BA1 threshold of >0.00005 (BA1). The splicing impact predictor SpliceAI gives a delta score of 0.01, which is below the ClinGen X-linked IRD VCEP recommended threshold of <0.1 and does not strongly predict an impact on splicing (BP4). In summary, this variant is classified as benign for RPGR-related retinopathy based on the ClinGen X-linked Inherited Retinal Disease Expert Panel Specifications to the ACMG/AMP Variant Interpretation Guidelines for RPGR Version 1.0.0; BA1 and BP4.

GeneDx
Classification: Benign. Last evaluated: 2019-08-12. Review status: criteria provided, single submitter. Criteria: GeneDx Variant Classification Process June 2021. Collection method: clinical testing. Allele origin: germline. Affected: yes. Not counted in ClinVar's aggregate classification.

NM_001034853.2(RPGR):c.778+84dup

Gene: RPGR (retinitis pigmentosa GTPase regulator; minus strand). Cytogenetic location: Xp11.4.
Variant type: Duplication.
Coding change: c.778+84dup on transcript NM_001034853.2 (MANE Select); 84 bases into the intron after coding-DNA position 778, one base duplicated (T; older notation c.778+84dupT).
Molecular consequence: intron variant.
Genome position (GRCh38, 1-based): chrX:38,310,525, A duplicated on the plus strand (T on the coding strand, the reverse complement: RPGR is on the minus strand); the first of 7 consecutive A bases (chrX:38,310,525-38,310,531); duplicating any one gives the same sequence. VCF-style (leftmost placement, unchanged base first): chrX-38310524-T-TA. GRCh37 (hg19) VCF-style: chrX-38169777-T-TA.
Other names: c.775+84dup (NM_001367249.1, NM_001367250.1, NM_001367245.1); c.778+84dup (NM_001367251.1, NM_001367246.1, NM_001367247.1 and 1 more transcripts); c.808+84dup (NM_001367248.1).
Identifiers: ClinVar variation 1252473 (VCV001252473.3), dbSNP rs35587043, ClinGen allele CA327935288.